The following is an entry in ClinVar:

ClinVar aggregate classification (germline): Uncertain significance (1 of 4 stars; one submission).

Submission:

Labcorp Genetics (formerly Invitae), Labcorp
Classification: Uncertain significance. Last evaluated: 2023-07-17. Review status: criteria provided, single submitter. Criteria: Invitae Variant Classification Sherloc (09022015). Collection method: clinical testing. Allele origin: germline.
Comment: In summary, the available evidence is currently insufficient to determine the role of this variant in disease. Therefore, it has been classified as a Variant of Uncertain Significance. Algorithms developed to predict the effect of sequence changes on RNA splicing suggest that this variant may disrupt the consensus splice site. ClinVar contains an entry for this variant (Variation ID: 1997624). This variant has not been reported in the literature in individuals affected with ZNF513-related conditions. This variant is not present in population databases (gnomAD no frequency). This sequence change affects an acceptor splice site in intron 1 of the ZNF513 gene. It is expected to disrupt RNA splicing. Variants that disrupt the donor or acceptor splice site typically lead to a loss of protein function (PMID: 16199547), however the current clinical and genetic evidence is not sufficient to establish whether loss-of-function variants in ZNF513 cause disease.

Literature cited by the submitters: PubMed 16199547.

NM_144631.6(ZNF513):c.56-1G>T

Gene: ZNF513 (zinc finger protein 513; minus strand). Cytogenetic location: 2p23.3.
Variant type: single nucleotide variant.
Coding change: c.56-1G>T on transcript NM_144631.6 (MANE Select); the canonical splice acceptor site of the intron before coding-DNA position 56, G replaced by T.
Molecular consequence: splice acceptor variant. On other transcripts: 5 prime UTR variant (1).
Genome position (GRCh38, 1-based): chr2:27,380,249, C>A on the plus strand (G>T on the coding strand, the complement: ZNF513 is on the minus strand). VCF-style: chr2-27380249-C-A. GRCh37 (hg19) VCF-style: chr2-27603116-C-A.
Other names: c.-132G>T (NM_001201459.2).
Identifiers: ClinVar variation 1997624 (VCV001997624.4), dbSNP rs2465629534, ClinGen allele CA346220233.